The following is an entry in ClinVar:

ClinVar aggregate classification (germline): Likely benign (1 of 4 stars; one submission).

Conditions:
Leigh syndrome (NULS). Also called: Leigh's necrotizing encephalopathy; Leigh's disease; Leigh's syndrome; LEIGH SYNDROME, NUCLEAR; Leigh Syndrome (mtDNA deletion); Leigh Disease. Identifiers: Orphanet 506, MedGen C2931891, MONDO:0009723, OMIM 256000.

Submission:

Wong Mito Lab, Molecular and Human Genetics, Baylor College of Medicine
Classification: Likely benign for Leigh syndrome. Last evaluated: 2019-10-17. Review status: criteria provided, single submitter. Criteria: Modified ACMG Guidelines (Unpublished). Collection method: clinical testing. Allele origin: germline.
Comment: The NC_012920.1:m.14462G>A (YP_003024037.1:p.Thr71Met) variant in MTND6 gene is interpretated to be a Likely Benign variant based on the modified ACMG guidelines (unpublished). This variant meets the following evidence codes: BS4, BP4

NC_012920.1(MT-ND6):m.14462G>A

Gene: MT-ND6 (mitochondrially encoded NADH dehydrogenase 6; minus strand).
Variant type: single nucleotide variant.
Genome position: chrM-14462-G-A.
Identifiers: ClinVar variation 693725 (VCV000693725.1), dbSNP rs1603224737, ClinGen allele CA414822590.
Genomic context (GRCh38, chrMT:14,462, plus strand): 5'-CTCACCAAGACCTCAACCCCTGACCCCCATGCCTCAGGATACTCCTCAATAGCCATCGCT[G>A]TAGTATATCCAAAGACAACCATCATTCCCCCTAAATAAATTAAAAAAACTATTAAACCCA-3'